The following is an entry in ClinVar:

ClinVar aggregate classification (germline): Pathogenic. Review status: criteria provided, multiple submitters, no conflicts (2 of 4 stars). 2 submissions from 2 submitters: Pathogenic (2). Last evaluated 2025-09-05.

Conditions:
Neurofibromatosis, type 2 (SWNV). Also called: BILATERAL ACOUSTIC NEUROFIBROMATOSIS; SCHWANNOMATOSIS, VESTIBULAR; NF2-Related Schwannomatosis. Identifiers: Orphanet 637, MedGen C0027832, MONDO:0007039, OMIM 101000. Disease mechanism: loss of function.
Hereditary cancer-predisposing syndrome. Also called: Tumor predisposition; Neoplastic Syndromes, Hereditary; Hereditary Cancer Syndrome; Hereditary neoplastic syndrome. Identifiers: Orphanet 140162, MedGen C0027672, MeSH D009386, MONDO:0015356.

Submissions (2):

Ambry Genetics
Classification: Pathogenic for Hereditary cancer-predisposing syndrome. Last evaluated: 2025-09-05. Review status: criteria provided, single submitter. Criteria: Ambry Variant Classification Scheme 2023. Collection method: clinical testing. Allele origin: germline.
Comment: The p.W258* pathogenic mutation (also known as c.774G>A), located in coding exon 8 of the NF2 gene, results from a G to A substitution at nucleotide position 774. This changes the amino acid from a tryptophan to a stop codon within coding exon 8. This variant was reported in individual(s) with features consistent with NF2-related schwannomatosis (Ruttledge MH et al. Am J Hum Genet, 1996 Aug;59:331-42; Goutagny S et al. J Neurooncol, 2015 Apr;122:313-20; Ambry internal data). This variant is considered to be rare based on population cohorts in the Genome Aggregation Database (gnomAD). This alteration is expected to result in loss of function by premature protein truncation or nonsense-mediated mRNA decay. As such, this alteration is interpreted as a disease-causing mutation.

Labcorp Genetics (formerly Invitae), Labcorp
Classification: Pathogenic for Neurofibromatosis, type 2. Last evaluated: 2022-07-06. Review status: criteria provided, single submitter. Criteria: Invitae Variant Classification Sherloc (09022015). Collection method: clinical testing. Allele origin: germline.
Comment: This sequence change creates a premature translational stop signal (p.Trp258*) in the NF2 gene. It is expected to result in an absent or disrupted protein product. Loss-of-function variants in NF2 are known to be pathogenic (PMID: 9643284, 16983642). This variant is not present in population databases (gnomAD no frequency). This premature translational stop signal has been observed in individual(s) with clinical features of neurofibromatosis type 2 (NF2) (PMID: 8755919). ClinVar contains an entry for this variant (Variation ID: 1457745). For these reasons, this variant has been classified as Pathogenic.

Literature cited by the submitters: PubMed 25567352 (cited by Ambry Genetics); PubMed 8755919 (cited by Ambry Genetics and Labcorp Genetics (formerly Invitae), Labcorp); PubMed 9643284 (cited by Labcorp Genetics (formerly Invitae), Labcorp); PubMed 16983642 (cited by Labcorp Genetics (formerly Invitae), Labcorp).

NM_000268.4(NF2):c.774G>A (p.Trp258Ter)

Gene: NF2 (NF2, moesin-ezrin-radixin like (MERLIN) tumor suppressor; plus strand). Cytogenetic location: 22q12.2.
Variant type: single nucleotide variant.
Coding change: c.774G>A on transcript NM_000268.4 (MANE Select); coding-DNA position 774, G replaced by A.
Protein change: p.Trp258Ter; replaces tryptophan 258 with a stop codon.
Molecular consequence: nonsense. On other transcripts: non-coding transcript variant (1), intron variant (1).
Genome position (GRCh38, 1-based): chr22:29,661,303, G>A. VCF-style: chr22-29661303-G-A. GRCh37 (hg19) VCF-style: chr22-30057292-G-A.
Other names: c.774G>A, p.Trp258Ter (NM_016418.5, NM_181825.3, NM_181832.3); c.648G>A, p.Trp216Ter (NM_181828.3); c.651G>A, p.Trp217Ter (NM_181829.3); c.525G>A, p.Trp175Ter (NM_181830.3, NM_181831.3); c.447+19018G>A (NM_181833.3); c.774G>A (NM_000268.3); short protein forms W175*, W216*, W217*, W258*.
Identifiers: ClinVar variation 1457745 (VCV001457745.7), dbSNP rs2147010427, ClinGen allele CA411144023.